The following is an entry in ClinVar:

ClinVar aggregate classification (germline): Uncertain significance (1 of 4 stars; one submission).

Conditions:
Familial thoracic aortic aneurysm and aortic dissection (TAAD). Also called: Thoracic aortic aneurysms and dissections. Identifiers: Orphanet 91387, MedGen C4707243, MONDO:0019625.

Submission:

Ambry Genetics
Classification: Uncertain significance for Familial thoracic aortic aneurysm and aortic dissection. Last evaluated: 2022-02-04. Review status: criteria provided, single submitter. Criteria: Ambry Variant Classification Scheme 2023. Collection method: clinical testing. Allele origin: germline.
Comment: The p.K626N variant (also known as c.1878G>T), located in coding exon 17 of the PLOD1 gene, results from a G to T substitution at nucleotide position 1878. The lysine at codon 626 is replaced by asparagine, an amino acid with similar properties. This amino acid position is conserved. In addition, this alteration is predicted to be tolerated by in silico analysis. Since supporting evidence is limited at this time, the clinical significance of this alteration remains unclear.

NM_000302.4(PLOD1):c.1878G>T (p.Lys626Asn)

Gene: PLOD1 (procollagen-lysine,2-oxoglutarate 5-dioxygenase 1; plus strand). Cytogenetic location: 1p36.22.
Variant type: single nucleotide variant.
Coding change: c.1878G>T on transcript NM_000302.4 (MANE Select); coding-DNA position 1878, G replaced by T.
Protein change: p.Lys626Asn; replaces lysine 626 with asparagine.
Molecular consequence: missense variant.
Genome position (GRCh38, 1-based): chr1:11,970,792, G>T. VCF-style: chr1-11970792-G-T. GRCh37 (hg19) VCF-style: chr1-12030849-G-T.
Other names: c.2019G>T, p.Lys673Asn (NM_001316320.2); short protein forms K626N, K673N.
Identifiers: ClinVar variation 1781827 (VCV001781827.2), dbSNP rs201112464, ClinGen allele CA338450754.